The following is an entry in ClinVar:

ClinVar aggregate classification (germline): Uncertain significance (1 of 4 stars; one submission).

Conditions:
Hereditary cancer-predisposing syndrome. Also called: Neoplastic Syndromes, Hereditary; Hereditary Cancer Syndrome; Hereditary neoplastic syndrome; Tumor predisposition. Identifiers: Orphanet 140162, MedGen C0027672, MeSH D009386, MONDO:0015356.

Allele frequency attached by ClinVar (database versions not stated): TOPMed below 0.00001.

Submission:

Ambry Genetics
Classification: Uncertain significance for Hereditary cancer-predisposing syndrome. Last evaluated: 2023-04-07. Review status: criteria provided, single submitter. Criteria: Ambry Variant Classification Scheme 2023. Collection method: clinical testing. Allele origin: germline.
Comment: The p.L154R variant (also known as c.461T>G), located in coding exon 3 of the NTHL1 gene, results from a T to G substitution at nucleotide position 461. The leucine at codon 154 is replaced by arginine, an amino acid with dissimilar properties. This amino acid position is conserved. In addition, this alteration is predicted to be deleterious by in silico analysis. Since supporting evidence is limited at this time, the clinical significance of this alteration remains unclear.

NM_002528.7(NTHL1):c.437T>G (p.Leu146Arg)

Gene: NTHL1 (nth like DNA glycosylase 1; minus strand). Cytogenetic location: 16p13.3.
Variant type: single nucleotide variant.
Coding change: c.437T>G on transcript NM_002528.7 (MANE Select); coding-DNA position 437, T replaced by G.
Protein change: p.Leu146Arg; replaces leucine 146 with arginine.
Molecular consequence: missense variant. On other transcripts: intron variant (1).
Genome position (GRCh38, 1-based): chr16:2,044,718, A>C on the plus strand (T>G on the coding strand, the complement: NTHL1 is on the minus strand). VCF-style: chr16-2044718-A-C. GRCh37 (hg19) VCF-style: chr16-2094719-A-C.
Other names: c.107T>G, p.Leu36Arg (NM_001318194.2); c.355-992T>G (NM_001318193.2); short protein forms L146R, L36R.
Identifiers: ClinVar variation 2565693 (VCV002565693.2), dbSNP rs2084318215, ClinGen allele CA394294334.